The following is an entry in ClinVar:

NM_006059.4(LAMC3):c.943C>T (p.Arg315Trp)

Gene: LAMC3 (laminin subunit gamma 3; plus strand). Cytogenetic location: 9q34.12.
Variant type: single nucleotide variant.
Coding change: c.943C>T on transcript NM_006059.4 (MANE Select); coding-DNA position 943, C replaced by T.
Protein change: p.Arg315Trp; replaces arginine 315 with tryptophan.
Molecular consequence: missense variant.
Genome position (GRCh38, 1-based): chr9:131,036,299, C>T. VCF-style: chr9-131036299-C-T. GRCh37 (hg19) VCF-style: chr9-133911686-C-T.
Other names: short protein forms R315W.
Identifiers: ClinVar variation 1957793 (VCV001957793.5), dbSNP rs754159381, ClinGen allele CA5286872.
Genomic context (GRCh38, chr9:131,036,299, plus strand): 5'-AACACCACCGGCACAGACTGTGAGCGCTGCCTGCCCTTCTTCCAGGACCGCCCGTGGGCC[C>T]GGGGCACCGCCGAGGCTGCCCACGAGTGTCTGCGTGAGTGTCTGAGTGTCACAGGGCATC-3'
Protein context (NP_006050.3, residues 305-325): LPFFQDRPWA[Arg315Trp]GTAEAAHECL

ClinVar aggregate classification (germline): Uncertain significance (1 of 4 stars; one submission).

Allele frequency attached by ClinVar (database versions not stated): TOPMed below 0.00001; gnomAD 0.00001; gnomAD exomes 0.00001; ExAC 0.00002.
gnomAD v4.1: 14 of 1,612,954 alleles (0.00087%); highest among the groups gnomAD compares: South Asian, 0.0033%; no homozygotes.

Submission:

Labcorp Genetics (formerly Invitae), Labcorp
Classification: Uncertain significance. Last evaluated: 2023-08-17. Review status: criteria provided, single submitter. Criteria: Invitae Variant Classification Sherloc (09022015). Collection method: clinical testing. Allele origin: germline.
Comment: In summary, the available evidence is currently insufficient to determine the role of this variant in disease. Therefore, it has been classified as a Variant of Uncertain Significance. This sequence change replaces arginine, which is basic and polar, with tryptophan, which is neutral and slightly polar, at codon 315 of the LAMC3 protein (p.Arg315Trp). This variant is present in population databases (rs754159381, gnomAD 0.007%). This variant has not been reported in the literature in individuals affected with LAMC3-related conditions. ClinVar contains an entry for this variant (Variation ID: 1957793). An algorithm developed to predict the effect of missense changes on protein structure and function (PolyPhen-2) suggests that this variant is likely to be disruptive.